The following is an entry in ClinVar:

ClinVar aggregate classification (germline): Likely benign. Review status: criteria provided, multiple submitters, no conflicts (2 of 4 stars). 5 submissions from 5 submitters: Likely benign (5). Last evaluated 2026-03-21.

Conditions:
Primary ciliary dyskinesia. Also called: Ciliary dyskinesia. Identifiers: Orphanet 244, MedGen C0008780, MONDO:0016575, HP:0012265.

Allele frequency attached by ClinVar (database versions not stated): TOPMed 0.00002; ExAC 0.00003; gnomAD exomes 0.00005; ESP Exome Variant Server 0.00008.
gnomAD v4.1: 24 of 1,613,566 alleles (0.0015%); highest among the groups gnomAD compares: Middle Eastern, 0.049%; 1 homozygote.

Submissions (5):

Ambry Genetics
Classification: Likely benign for Primary ciliary dyskinesia. Last evaluated: 2026-03-21. Review status: criteria provided, single submitter. Criteria: Ambry Variant Classification Scheme 2023. Collection method: clinical testing. Allele origin: germline.

Labcorp Genetics (formerly Invitae), Labcorp
Classification: Likely benign for Primary ciliary dyskinesia. Last evaluated: 2026-01-28. Review status: criteria provided, single submitter. Criteria: Invitae Variant Classification Sherloc (09022015). Collection method: clinical testing. Allele origin: germline.

Mayo Clinic Laboratories, Mayo Clinic
Classification: Likely benign. Last evaluated: 2025-09-26. Review status: criteria provided, single submitter. Criteria: ACMG Guidelines, 2015. Collection method: clinical testing. Allele origin: germline. Observed: 1 variant allele.
Comment: BP4, BP7

CeGaT Center for Human Genetics Tuebingen
Classification: Likely benign. Last evaluated: 2023-02-01. Review status: criteria provided, single submitter. Criteria: CeGaT Center For Human Genetics Tuebingen Variant Classification Criteria Version 2. Collection method: clinical testing. Allele origin: germline. Affected: yes. Observed: 2 variant alleles.
Comment: DNAH11: BP4, BP7

Breakthrough Genomics
Classification: Likely benign. Review status: criteria provided, single submitter. Criteria: ACMG Guidelines, 2015. Collection method: not provided. Allele origin: germline. Inheritance: Autosomal recessive inheritance. Affected: yes.

NM_001277115.2(DNAH11):c.9039G>A (p.Ala3013=)

Gene: DNAH11 (dynein axonemal heavy chain 11; plus strand). Cytogenetic location: 7p15.3.
Variant type: single nucleotide variant.
Coding change: c.9039G>A on transcript NM_001277115.2 (MANE Select); coding-DNA position 9039, G replaced by A.
Protein change: p.Ala3013=; no amino-acid change (alanine 3013 retained).
Molecular consequence: synonymous variant.
Genome position (GRCh38, 1-based): chr7:21,765,526, G>A. VCF-style: chr7-21765526-G-A. GRCh37 (hg19) VCF-style: chr7-21805144-G-A.
Other names: p.Ala3013=.
Identifiers: ClinVar variation 454718 (VCV000454718.49), dbSNP rs373342289, ClinGen allele CA4181827.